The following is an entry in ClinVar:

NM_178860.5(SEZ6):c.678_686del (p.Thr227_Thr229del)

Gene: SEZ6 (seizure related 6 homolog; minus strand). Cytogenetic location: 17q11.2.
Variant type: Deletion.
Coding change: c.678_686del on transcript NM_178860.5 (MANE Select); coding-DNA positions 678 to 686, 9 bases deleted (TACCACCAC; older notation c.678_686delTACCACCAC).
Protein change: p.Thr227_Thr229del.
Molecular consequence: inframe deletion.
Genome position (GRCh38, 1-based): chr17:28,981,409-28,981,417, GTGGTGGTA deleted on the plus strand (TACCACCAC on the coding strand, the reverse complement: SEZ6 is on the minus strand); deleting any 9 consecutive bases within chr17:28,981,409-28,981,425 gives the same sequence; the c. name uses the placement nearest the transcript's 3' end. VCF-style (leftmost placement, unchanged base first): chr17-28981408-GGTGGTGGTA-G. GRCh37 (hg19) VCF-style: chr17-27308426-GGTGGTGGTA-G.
Other names: c.678_686del, p.Thr227_Thr229del (NM_001098635.2); c.303_311del, p.Thr102_Thr104del (NM_001290202.2).
Identifiers: ClinVar variation 208383 (VCV000208383.3), dbSNP rs863223347, ClinGen allele CA279874.

ClinVar aggregate classification (germline): Likely pathogenic (1 of 4 stars; one submission).

Conditions:
Childhood-onset schizophrenia. Also called: Childhood schizophrenia. Identifiers: Orphanet 641496, MedGen C0036346, MONDO:0957430.

Submission:

Dr. Guy Rouleau's laboratory, McGill University
Classification: Likely pathogenic for Childhood Onset Schizophrenia. Last evaluated: 2014-01-01. Review status: criteria provided, single submitter. Criteria: Submitter's publication. Collection method: research. Allele origin: de novo. Affected: yes. Observed: 1 variant allele.
Comment: Identified by next generation sequencing and validated by Sanger sequencing